The following is an entry in ClinVar:

ClinVar aggregate classification (germline): Uncertain significance (1 of 4 stars; one submission).

Conditions:
Developmental and epileptic encephalopathy 94 (DEE94). Also called: CHD2-Related Neurodevelopmental Disorders; Epileptic encephalopathy, childhood-onset. Identifiers: Orphanet 1942, Orphanet 2382, MedGen C3809278, MONDO:0014150, OMIM 615369.

Allele frequency attached by ClinVar (database versions not stated): ExAC 0.00001; gnomAD 0.00001; TOPMed 0.00001.
gnomAD v4.1: 2 of 1,614,026 alleles (0.00012%); highest among the groups gnomAD compares: African/African-American, 0.0027%; no homozygotes.

Submission:

Labcorp Genetics (formerly Invitae), Labcorp
Classification: Uncertain significance for Developmental and epileptic encephalopathy 94. Last evaluated: 2023-12-13. Review status: criteria provided, single submitter. Criteria: Invitae Variant Classification Sherloc (09022015). Collection method: clinical testing. Allele origin: germline.
Comment: This sequence change replaces cysteine, which is neutral and slightly polar, with serine, which is neutral and polar, at codon 1516 of the CHD2 protein (p.Cys1516Ser). This variant is present in population databases (rs754832773, gnomAD 0.007%). This variant has not been reported in the literature in individuals affected with CHD2-related conditions. Advanced modeling of protein sequence and biophysical properties (such as structural, functional, and spatial information, amino acid conservation, physicochemical variation, residue mobility, and thermodynamic stability) has been performed at Invitae for this missense variant, however the output from this modeling did not meet the statistical confidence thresholds required to predict the impact of this variant on CHD2 protein function. In summary, the available evidence is currently insufficient to determine the role of this variant in disease. Therefore, it has been classified as a Variant of Uncertain Significance.

NM_001271.4(CHD2):c.4546T>A (p.Cys1516Ser)

Gene: CHD2 (chromodomain helicase DNA binding protein 2; plus strand). Cytogenetic location: 15q26.1.
Variant type: single nucleotide variant.
Coding change: c.4546T>A on transcript NM_001271.4 (MANE Select); coding-DNA position 4546, T replaced by A.
Protein change: p.Cys1516Ser; replaces cysteine 1516 with serine.
Molecular consequence: missense variant.
Genome position (GRCh38, 1-based): chr15:93,009,277, T>A. VCF-style: chr15-93009277-T-A. GRCh37 (hg19) VCF-style: chr15-93552507-T-A.
Other names: short protein forms C1516S.
Identifiers: ClinVar variation 2805609 (VCV002805609.3), dbSNP rs754832773, ClinGen allele CA7748497.
Genomic context (GRCh38, chr15:93,009,277, plus strand): 5'-CAAGAACAGCTGGAACACACCCGGAACTGCCTGCTGAAAATCGGAGACCGGATAGCCGAG[T>A]GCCTTAAAGCCTACTCAGATCAGGAGCACATCAAACTCTGGAGGAGGTAACCACTTTGGC-3'
Protein context (NP_001262.3, residues 1506-1526): LLKIGDRIAE[Cys1516Ser]LKAYSDQEHI